The following is an entry in ClinVar:

ClinVar aggregate classification (germline): Likely pathogenic (1 of 4 stars; one submission).

Conditions:
Long chain 3-hydroxyacyl-CoA dehydrogenase deficiency. Also called: LCHAD Deficiency; Deficiency of long-chain 3-hydroxyacyl-coenzyme A dehydrogenase. Identifiers: Orphanet 5, MedGen C3711645, MONDO:0012173, OMIM 609016.

Submission:

Myriad Genetics, Inc.
Classification: Likely pathogenic for Long chain 3-hydroxyacyl-CoA dehydrogenase deficiency. Last evaluated: 2019-07-02. Review status: criteria provided, single submitter. Criteria: Myriad Autosomal Dominant, Autosomal Recessive and X-Linked Classification Criteria (2023). Collection method: clinical testing. Allele origin: unknown.
Comment: NM_000182.4(HADHA):c.1168A>T(K390*) is expected to be pathogenic in the context of HADHA-related disorders. This variant is predicted to lead to an abnormal or absent protein product due to the creation of a premature termination codon in HADHA, a gene where loss-of-function variants are known to be pathogenic. Please note: this variant was assessed in the context of healthy population screening.

NM_000182.5(HADHA):c.1168A>T (p.Lys390Ter)

Genes: HADHA (hydroxyacyl-CoA dehydrogenase trifunctional multienzyme complex subunit alpha; minus strand), GAREM2 (GRB2 associated regulator of MAPK1 subtype 2; plus strand). Cytogenetic location: 2p23.3.
Variant type: single nucleotide variant.
Coding change: c.1168A>T on transcript NM_000182.5 (MANE Select); coding-DNA position 1168, A replaced by T.
Protein change: p.Lys390Ter; replaces lysine 390 with a stop codon.
Molecular consequence: nonsense.
Genome position (GRCh38, 1-based): chr2:26,204,114, T>A on the plus strand (A>T on the coding strand, the complement: HADHA is on the minus strand). VCF-style: chr2-26204114-T-A. GRCh37 (hg19) VCF-style: chr2-26426983-T-A.
Other names: short protein forms K390*.
Identifiers: ClinVar variation 983584 (VCV000983584.4), dbSNP rs1669918554, ClinGen allele CA346129060.